The following is an entry in ClinVar:

ClinVar aggregate classification (germline): Uncertain significance (1 of 4 stars; one submission).

Conditions:
Hereditary cancer-predisposing syndrome. Also called: Tumor predisposition; Hereditary neoplastic syndrome; Hereditary Cancer Syndrome; Neoplastic Syndromes, Hereditary. Identifiers: Orphanet 140162, MedGen C0027672, MeSH D009386, MONDO:0015356.

Allele frequency attached by ClinVar (database versions not stated): gnomAD exomes below 0.00001; ExAC 0.00001; TOPMed 0.00001.
gnomAD v4.1: 1 of 1,614,184 alleles (0.000062%); highest among the groups gnomAD compares: Non-Finnish European, 0.000085%; no homozygotes.

Submission:

Ambry Genetics
Classification: Uncertain significance for Hereditary cancer-predisposing syndrome. Last evaluated: 2024-01-12. Review status: criteria provided, single submitter. Criteria: Ambry Variant Classification Scheme 2023. Collection method: clinical testing. Allele origin: germline.
Comment: The p.E258G variant (also known as c.773A>G), located in coding exon 7 of the EPCAM gene, results from an A to G substitution at nucleotide position 773. The glutamic acid at codon 258 is replaced by glycine, an amino acid with similar properties. This amino acid position is conserved. In addition, the in silico prediction for this alteration is inconclusive. Since supporting evidence is limited at this time, the clinical significance of this alteration remains unclear.

NM_002354.3(EPCAM):c.773A>G (p.Glu258Gly)

Gene: EPCAM (epithelial cell adhesion molecule; plus strand). Cytogenetic location: 2p21.
Variant type: single nucleotide variant.
Coding change: c.773A>G on transcript NM_002354.3 (MANE Select); coding-DNA position 773, A replaced by G.
Protein change: p.Glu258Gly; replaces glutamic acid 258 with glycine.
Molecular consequence: missense variant.
Genome position (GRCh38, 1-based): chr2:47,379,884, A>G. VCF-style: chr2-47379884-A-G. GRCh37 (hg19) VCF-style: chr2-47607023-A-G.
Other names: short protein forms E258G.
Identifiers: ClinVar variation 3222137 (VCV003222137.1), dbSNP rs776854951, ClinGen allele CA1649153.